The following is an entry in ClinVar:

NM_004319.3(ASTN1):c.1329T>C (p.Pro443=)

Gene: ASTN1 (astrotactin 1; minus strand). Cytogenetic location: 1q25.2.
Variant type: single nucleotide variant.
Coding change: c.1329T>C on transcript NM_004319.3 (MANE Select); coding-DNA position 1329, T replaced by C.
Protein change: p.Pro443=; no amino-acid change (proline 443 retained).
Molecular consequence: synonymous variant.
Genome position (GRCh38, 1-based): chr1:177,023,513, A>G on the plus strand (T>C on the coding strand, the complement: ASTN1 is on the minus strand). VCF-style: chr1-177023513-A-G. GRCh37 (hg19) VCF-style: chr1-176992649-A-G.
Other names: c.1329T>C, p.Pro443= (NM_001286164.2, NM_001364856.2, NM_207108.3).
Identifiers: ClinVar variation 3026650 (VCV003026650.22), dbSNP rs2525289417, ClinGen allele CA421946539.

ClinVar aggregate classification (germline): Likely benign (1 of 4 stars; one submission).

Submission:

CeGaT Center for Human Genetics Tuebingen
Classification: Likely benign. Last evaluated: 2023-12-01. Review status: criteria provided, single submitter. Criteria: CeGaT Center For Human Genetics Tuebingen Variant Classification Criteria Version 2. Collection method: clinical testing. Allele origin: germline. Affected: yes. Observed: 1 variant allele.
Comment: ASTN1: PM2:Supporting, BP4, BP7